The following is an entry in ClinVar:

ClinVar aggregate classification (germline): Uncertain significance. Review status: criteria provided, multiple submitters, no conflicts (2 of 4 stars). 2 submissions from 2 submitters: Uncertain significance (2). Last evaluated 2021-11-18.

Conditions:
Diabetes insipidus, nephrogenic, X-linked. Also called: Nephrogenic Diabetes Insipidus, Type I. Identifiers: Orphanet 223, MedGen C1563705, MONDO:0010581, OMIM 304800.
Nephrogenic syndrome of inappropriate antidiuresis (NSIAD). Identifiers: Orphanet 93606, MedGen C1845202, MONDO:0010356, OMIM 300539.

Allele frequency attached by ClinVar (database versions not stated): gnomAD exomes below 0.00001 and 0.00001; TOPMed 0.00001.
gnomAD v4.1: 3 of 1,204,429 alleles (0.00025%); highest among the groups gnomAD compares: South Asian, 0.0018%; no homozygotes.

Submissions (2):

Fulgent Genetics
Classification: Uncertain significance for Nephrogenic syndrome of inappropriate antidiuresis; Diabetes insipidus, nephrogenic, X-linked. Last evaluated: 2021-11-18. Review status: criteria provided, single submitter. Criteria: ACMG Guidelines, 2015. Collection method: clinical testing. Allele origin: unknown.

GeneDx
Classification: Uncertain significance. Last evaluated: 2016-01-04. Review status: criteria provided, single submitter. Criteria: GeneDx Variant Classification (06012015). Collection method: clinical testing. Allele origin: germline. Affected: yes.
Comment: The R149C variant in the AVPR2 gene has not been reported previously as a pathogenic variant, nor as a benign variant, to our knowledge. The R149C variant was not observed in approximately 6,500 individuals of European and African American ancestry in the NHLBI Exome Sequencing Project, indicating it is not a common benign variant in these populations. The R149C variant is a non-conservative amino acid substitution, which is likely to impact secondary protein structure as these residues differ in polarity, charge, size and/or other properties. This substitution occurs at a position where amino acids with similar properties to Arginine are tolerated across species. In silico analysis predicts this variant is probably damaging to the protein structure/function. We interpret R149C as a variant of uncertain significance.

NM_000054.7(AVPR2):c.445C>T (p.Arg149Cys)

Gene: AVPR2 (arginine vasopressin receptor 2; plus strand). Cytogenetic location: Xq28.
Variant type: single nucleotide variant.
Coding change: c.445C>T on transcript NM_000054.7 (MANE Select); coding-DNA position 445, C replaced by T.
Protein change: p.Arg149Cys; replaces arginine 149 with cysteine.
Molecular consequence: missense variant.
Genome position (GRCh38, 1-based): chrX:153,905,951, C>T. VCF-style: chrX-153905951-C-T. GRCh37 (hg19) VCF-style: chrX-153171405-C-T.
Other names: c.445C>T, p.Arg149Cys (NM_001146151.3); short protein forms R149C.
Identifiers: ClinVar variation 382301 (VCV000382301.3), dbSNP rs905300222, ClinGen allele CA16608747.